The following is an entry in ClinVar:

ClinVar aggregate classification (germline): Pathogenic (1 of 4 stars; one submission).

Conditions:
Perlman syndrome (PRLMNS). Identifiers: Orphanet 2849, MedGen C0796113, MONDO:0009965, OMIM 267000.

Submission:

Labcorp Genetics (formerly Invitae), Labcorp
Classification: Pathogenic for Perlman syndrome. Last evaluated: 2016-12-27. Review status: criteria provided, single submitter. Criteria: Invitae Variant Classification Sherloc (09022015). Collection method: clinical testing. Allele origin: germline.
Comment: This variant is a gross deletion of the genomic region encompassing exon 9 of the DIS3L2 gene. This is predicted to create an in-frame deletion, preserving the integrity of the reading frame. This deletion has been reported in multiple individuals affected with Perlman syndrome in both a homozygous and compound heterozygous state (PMID: 22306653, 23486540). ClinVar contains an entry for this variant (Variation ID: 31124). Experimental studies have shown that this deletion leads to a decrease in the ribonuclease activity of the protein and, unlike wild-type DIS3L2, does not inhibit colony growth and formation in anchorage-independent growth assays (PMID: 22306653). For these reasons, this variant has been classified as Pathogenic.

NM_152383.4(DIS3L2):c.951-?_1124+?del

Gene: DIS3L2 (DIS3 like 3'-5' exoribonuclease 2; plus strand). Cytogenetic location: 2q37.1.
Variant type: Deletion.
Coding change: c.951-?_1124+?del on transcript NM_152383.4.
Other names: c.951-?_1124+?del (LRG_534t1).
Identifiers: ClinVar variation 254078 (VCV000254078.1).